The following is an entry in ClinVar:

NM_000059.4(BRCA2):c.5563dup (p.Ser1855fs)

Gene: BRCA2 (BRCA2 DNA repair associated; plus strand). Cytogenetic location: 13q13.1.
Variant type: Duplication.
Coding change: c.5563dup on transcript NM_000059.4 (MANE Select); coding-DNA position 5563, one base duplicated (T; older notation c.5563dupT).
Protein change: p.Ser1855fs; shifts the reading frame from serine 1855.
Molecular consequence: frameshift variant.
Genome position (GRCh38, 1-based): chr13:32,339,918, T duplicated; the last of 3 consecutive T bases (chr13:32,339,916-32,339,918); duplicating any one gives the same sequence. VCF-style (leftmost placement, unchanged base first): chr13-32339915-G-GT. GRCh37 (hg19) VCF-style: chr13-32914052-G-GT.
Other names: c.5563dup, p.Ser1855Phefs (NM_001406719.1, NM_001406720.1); short protein forms S1855fs.
Identifiers: ClinVar variation 2114077 (VCV002114077.4), dbSNP rs2548531131, ClinGen allele CA2580087615.
Genomic context (GRCh38, chr13:32,339,915, plus strand): 5'-AGTAATAATTTTGAGGTAGGGCCACCTGCATTTAGGATAGCCAGTGGTAAAATCGTTTGT[G>GT]TTTCACATGAAACAATTAAAAAAGTGAAAGACATATTTACAGACAGTTTCAGTAAAGTAA-3'

ClinVar aggregate classification (germline): Pathogenic (1 of 4 stars; one submission).

Conditions:
Hereditary breast ovarian cancer syndrome. Also called: Hereditary breast and ovarian cancer syndrome; Hereditary breast and ovarian cancer; Hereditary breast and ovarian cancer syndrome (HBOC); Hereditary breast and/or ovarian cancer syndrome; Breast and ovarian cancer; BRCA1- and BRCA2-Associated Hereditary Breast and Ovarian Cancer. Identifiers: Orphanet 145, MedGen C0677776, MeSH D061325, MONDO:0003582. Disease mechanism: loss of function.

Submission:

Labcorp Genetics (formerly Invitae), Labcorp
Classification: Pathogenic for Hereditary breast ovarian cancer syndrome. Last evaluated: 2022-07-16. Review status: criteria provided, single submitter. Criteria: Invitae Variant Classification Sherloc (09022015). Collection method: clinical testing. Allele origin: germline.
Comment: This sequence change creates a premature translational stop signal (p.Ser1855Phefs*3) in the BRCA2 gene. It is expected to result in an absent or disrupted protein product. Loss-of-function variants in BRCA2 are known to be pathogenic (PMID: 20104584). This variant is not present in population databases (gnomAD no frequency). This variant has not been reported in the literature in individuals affected with BRCA2-related conditions. For these reasons, this variant has been classified as Pathogenic.

Literature cited by the submitters: PubMed 20104584.